The following is an entry in ClinVar:

NM_000059.4(BRCA2):c.4928T>C (p.Val1643Ala)

Gene: BRCA2 (BRCA2 DNA repair associated; plus strand). Cytogenetic location: 13q13.1.
Variant type: single nucleotide variant.
Coding change: c.4928T>C on transcript NM_000059.4 (MANE Select); coding-DNA position 4928, T replaced by C.
Protein change: p.Val1643Ala; replaces valine 1643 with alanine.
Molecular consequence: missense variant.
Genome position (GRCh38, 1-based): chr13:32,339,283, T>C. VCF-style: chr13-32339283-T-C. GRCh37 (hg19) VCF-style: chr13-32913420-T-C.
Other names: p.V1643A:GTA>GCA; 5156T>C; short protein forms V1643A.
Identifiers: ClinVar variation 51743 (VCV000051743.76), dbSNP rs28897731, ClinGen allele CA021023.

ClinVar aggregate classification (germline): Conflicting classifications of pathogenicity. Review status: criteria provided, conflicting classifications (1 of 4 stars). 19 submissions from 19 submitters: Uncertain significance (2); Benign (2); Likely benign (11). 4 of the submissions do not count toward it. Last evaluated 2026-09-29.

Conditions:
Inherited breast cancer and ovarian cancer.
Hereditary cancer-predisposing syndrome. Also called: Hereditary Cancer Syndrome; Tumor predisposition; Neoplastic Syndromes, Hereditary; Hereditary neoplastic syndrome. Identifiers: Orphanet 140162, MedGen C0027672, MeSH D009386, MONDO:0015356.
Hereditary breast ovarian cancer syndrome. Also called: Breast and ovarian cancer; BRCA1- and BRCA2-Associated Hereditary Breast and Ovarian Cancer; Hereditary breast and ovarian cancer; Hereditary breast and ovarian cancer syndrome (HBOC); Hereditary breast and ovarian cancer syndrome; Hereditary breast and/or ovarian cancer syndrome. Identifiers: Orphanet 145, MedGen C0677776, MeSH D061325, MONDO:0003582. Disease mechanism: loss of function.
Breast-ovarian cancer, familial, susceptibility to, 2 (BROVCA2). Also called: BRCA2 Hereditary Breast and Ovarian Cancer. Identifiers: Orphanet 145, MedGen C2675520, MONDO:0012933, OMIM 612555. Disease mechanism: loss of function.
Malignant tumor of breast. Also called: Malignant breast neoplasm; Cancer breast. Identifiers: MedGen C0006142, MONDO:0007254. Disease mechanism: loss of function.

Allele frequency attached by ClinVar (database versions not stated): ExAC 0.00005; gnomAD below 0.00001 and 0.00001; TOPMed 0.00001; gnomAD exomes 0.00003 and 0.00004.
gnomAD v4.1: 64 of 1,607,312 alleles (0.004%); highest among the groups gnomAD compares: Middle Eastern, 0.033%; no homozygotes.

Submissions 1 to 16 of 19:

Cambridge Genomics Laboratory, East Genomic Laboratory Hub, NHS Genomic Medicine Service
Classification: Likely benign for Inherited breast cancer and ovarian cancer. Last evaluated: 2026-09-29. Review status: criteria provided, single submitter. Criteria: ACGS Best Practice Guidelines for Variant Classification in Rare Disease 2020. Collection method: clinical testing. Allele origin: germline. Affected: yes.
Comment: BS3,BP4

Labcorp Genetics (formerly Invitae), Labcorp
Classification: Likely benign for Hereditary breast ovarian cancer syndrome. Last evaluated: 2026-01-28. Review status: criteria provided, single submitter. Criteria: Invitae Variant Classification Sherloc (09022015). Collection method: clinical testing. Allele origin: germline.

Quest Diagnostics Nichols Institute San Juan Capistrano
Classification: Uncertain significance. Last evaluated: 2025-10-31. Review status: criteria provided, single submitter. Criteria: Quest Diagnostics criteria. Collection method: clinical testing. Allele origin: unknown.
Comment: The BRCA2 c.4928T>C (p.Val1643Ala) variant has been reported in the published literature in individuals with breast and/or ovarian cancer (PMID: 18824701 (2008), 21203900 (2011), 24916970 (2015), 27062684 (2016), 27741520 (2016), 32806537 (2020)) and pancreatic cancer (PMID: 37951914 (2023)). In a large scale breast cancer association study, this variant has been observed in breast cancer cases and reportedly unaffected individuals (PMID: 33471991 (2021), see also LOVD). This variant has also been described to be located in a region of the BRCA2 gene that is tolerant to missense sequence changes (PMID: 31911673 (2020)). A functional study demonstrated that this variant had a neutral effect on protein function, however additional studies are needed to determine the global effect of this variant on protein function (PMID: 33293522 (2020)). The frequency of this variant in the general population (Genome Aggregation Database) is uninformative in the assessment of its pathogenicity. Analysis of this variant using bioinformatics tools for the prediction of the effect of amino acid changes on protein structure and function yielded predictions that this variant is benign. Based on the available information, we are unable to determine the clinical significance of this variant.

Women's Health and Genetics/Laboratory Corporation of America, LabCorp
Classification: Likely benign. Last evaluated: 2025-10-31. Review status: criteria provided, single submitter. Criteria: LabCorp Variant Classification Summary - May 2015. Collection method: clinical testing. Allele origin: germline.
Comment: Variant summary: BRCA2 c.4928T>C (p.Val1643Ala) results in a non-conservative amino acid change in the encoded protein sequence. Algorithms developed to predict the effect of missense changes on protein structure and function are either unavailable or do not agree on the potential impact of this missense change. The variant allele was found at a frequency of 2.9e-05 in 244196 control chromosomes. The available data on variant occurrences in the general population are insufficient to allow any conclusion about variant significance. c.4928T>C has been reported in individuals affected with breast or ovarian cancer without strong evidence of causality (e.g. Konecny_2011, Lu_2012, Peixoto_2014, Spearman_2008, Fanale_2021, Dorling_2021), and was also found in controls (Dorling_2021). These report(s) do not provide unequivocal conclusions about association of the variant with Hereditary Breast And Ovarian Cancer Syndrome. Co-occurrences with other pathogenic variants have been reported (BRCA1 c.5263_5264insC, p.Ser1755?fs and BRCA2 c.9976A>T, p.Lys3326Ter in the BIC database), providing supporting evidence for a benign role. At least one publication reports experimental evidence evaluating an impact on protein function (Biswas_2020). These results showed no damaging effect of this variant in a well-established mouse embryonic stem cell based assay. The following publications have been ascertained in the context of this evaluation (PMID: 33293522, 21702907, 21203900, 22476429, 24916970, 18824701, 33471991, 31131967, 34178674). ClinVar contains an entry for this variant (Variation ID: 51743). Based on the evidence outlined above, the variant was classified as likely benign.

Blueprint Genetics
Classification: Likely benign. Last evaluated: 2024-03-13. Review status: criteria provided, single submitter. Criteria: ACMG Guidelines, 2015. Collection method: clinical testing. Allele origin: germline.

German Consortium for Hereditary Breast and Ovarian Cancer, University Hospital Cologne
Classification: Likely benign for Hereditary breast ovarian cancer syndrome. Last evaluated: 2024-01-08. Review status: criteria provided, single submitter. Criteria: ClinGen BRCA2 V1.0.0. Collection method: curation. Allele origin: germline.
Comment: According to the ClinGen ENIGMA BRCA2 v1.0.0 criteria we chose this criterion: BP1 (strong benign): BP1_Strong for silent substitution, missense or in-frame insertion, deletion or delins variants outside a (potentially) clinically important functional domain AND no splicing predicted (spliceAI:BRCA2:0.0)

All of Us Research Program, National Institutes of Health
Classification: Benign for Breast-ovarian cancer, familial, susceptibility to, 2. Last evaluated: 2023-12-18. Review status: criteria provided, single submitter. Criteria: ACMG Guidelines, 2015. Collection method: clinical testing. Allele origin: germline. Inheritance: Autosomal dominant inheritance. Observed: 10 variant alleles, 10 heterozygotes.
Comment: This study involves interpretation of variants in research participants for the purpose of population health screening. Participant phenotype was not available at the time of variant classification. Additional details can be found in publication PMID: 35346344, PMCID: PMC8962531

University of Washington Department of Laboratory Medicine, University of Washington
Classification: Likely benign for Hereditary cancer-predisposing syndrome. Last evaluated: 2023-03-23. Review status: criteria provided, single submitter. Criteria: Dines et al. (Genet Med. 2020). Collection method: curation. Allele origin: germline.
Comment: Missense variant in a coldspot region where missense variants are very unlikely to be pathogenic (PMID:31911673).

BRCA2 exon 11 coldspot. Reclassification based on statistical prior probability.

CeGaT Center for Human Genetics Tuebingen
Classification: Likely benign. Last evaluated: 2022-04-01. Review status: criteria provided, single submitter. Criteria: CeGaT Center For Human Genetics Tuebingen Variant Classification Criteria Version 2. Collection method: clinical testing. Allele origin: germline. Affected: yes. Observed: 2 variant alleles.
Comment: BRCA2: BP1, BP4

Institute for Clinical Genetics, University Hospital TU Dresden, University Hospital TU Dresden
Classification: Uncertain significance. Last evaluated: 2021-11-03. Review status: criteria provided, single submitter. Criteria: ACMG Guidelines, 2015. Collection method: clinical testing. Allele origin: germline.

GeneDx
Classification: Likely benign. Last evaluated: 2019-06-04. Review status: criteria provided, single submitter. Criteria: GeneDx Variant Classification Process June 2021. Collection method: clinical testing. Allele origin: germline. Affected: yes.
Comment: This variant is associated with the following publications: (PMID: 27062684, 18951461, 24916970, 21203900, 26207792, 18824701, 18279628, 27741520, 21702907, 25348012, 27527004, 30606148, 32806537)

Mendelics
Classification: Likely benign for Breast-ovarian cancer, familial, susceptibility to, 2. Last evaluated: 2019-05-28. Review status: criteria provided, single submitter. Criteria: Mendelics Assertion Criteria 2017. Collection method: clinical testing. Allele origin: unknown.

Ambry Genetics
Classification: Likely benign for Hereditary cancer-predisposing syndrome. Last evaluated: 2019-01-24. Review status: criteria provided, single submitter. Criteria: Ambry Variant Classification Scheme 2023. Collection method: clinical testing. Allele origin: germline.

Color Diagnostics, LLC DBA Color Health
Classification: Benign for Hereditary cancer-predisposing syndrome. Last evaluated: 2016-05-24. Review status: criteria provided, single submitter. Criteria: ACMG Guidelines, 2015. Collection method: clinical testing. Allele origin: germline.

Molecular Genetics Laboratory, University of Michigan
Classification: Likely benign for Breast-ovarian cancer, familial, susceptibility to, 2. Last evaluated: 2016-04-21. Review status: criteria provided, single submitter. Criteria: ACMG Guidelines, 2015. Collection method: clinical testing. Allele origin: germline. Affected: yes.

Cancer Genetics and Genomics Laboratory, British Columbia Cancer Agency
Classification: Uncertain significance for Hereditary breast ovarian cancer syndrome. Last evaluated: 2016-04-14. Review status: no assertion criteria provided. Collection method: clinical testing. Allele origin: germline. Study: The Canadian Open Genetics Repository (COGR). Not counted in ClinVar's aggregate classification.